The following is an entry in ClinVar:

NM_004822.3(NTN1):c.1611C>T (p.Ile537=)

Gene: NTN1 (netrin 1; plus strand). Cytogenetic location: 17p13.1.
Variant type: single nucleotide variant.
Coding change: c.1611C>T on transcript NM_004822.3 (MANE Select); coding-DNA position 1611, C replaced by T.
Protein change: p.Ile537=; no amino-acid change (isoleucine 537 retained).
Molecular consequence: synonymous variant.
Genome position (GRCh38, 1-based): chr17:9,239,764, C>T. VCF-style: chr17-9239764-C-T. GRCh37 (hg19) VCF-style: chr17-9143081-C-T.
Identifiers: ClinVar variation 2647464 (VCV002647464.24), dbSNP rs1906121279, ClinGen allele CA497983614.

ClinVar aggregate classification (germline): Likely benign (1 of 4 stars; one submission).

Allele frequency attached by ClinVar (database versions not stated): gnomAD exomes below 0.00001.

Submission:

CeGaT Center for Human Genetics Tuebingen
Classification: Likely benign. Last evaluated: 2022-07-01. Review status: criteria provided, single submitter. Criteria: CeGaT Center For Human Genetics Tuebingen Variant Classification Criteria Version 2. Collection method: clinical testing. Allele origin: germline. Affected: yes. Observed: 1 variant allele.
Comment: NTN1: PM2:Supporting, BP4, BP7